The following is an entry in ClinVar:

ClinVar aggregate classification (germline): Uncertain significance (1 of 4 stars; one submission).

Conditions:
NPHP1-related disorder. Also called: NPHP1-related disorders; NPHP1-related condition.

gnomAD v4.1: 15 of 1,613,838 alleles (0.00093%); highest among the groups gnomAD compares: South Asian, 0.012%; no homozygotes.

Submission:

PreventionGenetics, part of Exact Sciences
Classification: Uncertain significance for NPHP1-related condition. Last evaluated: 2026-04-16. Review status: criteria provided, single submitter. Criteria: ACMG Guidelines, 2015. Collection method: clinical testing. Allele origin: germline.
Comment: The NPHP1 c.803C>T variant is predicted to result in the amino acid substitution p.Ser268Leu. To our knowledge, this variant has not been reported in the literature. This variant is reported in 0.016% of alleles in individuals of South Asian descent in gnomAD. At this time, the clinical significance of this variant is uncertain due to the absence of conclusive functional and genetic evidence.

NM_001128178.3(NPHP1):c.771+32C>T

Gene: NPHP1 (nephrocystin 1; minus strand). Cytogenetic location: 2q13.
Variant type: single nucleotide variant.
Coding change: c.771+32C>T on transcript NM_001128178.3 (MANE Select); 32 bases into the intron after coding-DNA position 771, C replaced by T.
Molecular consequence: intron variant. On other transcripts: missense variant (2).
Genome position (GRCh38, 1-based): chr2:110,164,656, G>A on the plus strand (C>T on the coding strand, the complement: NPHP1 is on the minus strand). VCF-style: chr2-110164656-G-A. GRCh37 (hg19) VCF-style: chr2-110922233-G-A.
Other names: c.803C>T, p.Ser268Leu (NM_000272.5, NM_207181.4); c.585+32C>T (NM_001128179.3); c.771+32C>T (NM_001374256.1, NM_001374257.1); short protein forms S268L.
Identifiers: ClinVar variation 4989095 (VCV004989095.1).